The following is an entry in ClinVar:

ClinVar aggregate classification (germline): Uncertain significance. Review status: criteria provided, multiple submitters, no conflicts (2 of 4 stars). 2 submissions from 2 submitters: Uncertain significance (2). Last evaluated 2021-09-24.

Conditions:
Autosomal recessive limb-girdle muscular dystrophy type 2M. Also called: MUSCULAR DYSTROPHY, LIMB-GIRDLE, TYPE 2M; MUSCULAR DYSTROPHY-DYSTROGLYCANOPATHY (LIMB-GIRDLE), TYPE C, 4. Identifiers: Orphanet 206554, MedGen C1969040, MONDO:0012699, OMIM 611588.
Dilated cardiomyopathy 1X (CMD1X). Also called: FKTN-Related Dilated Cardiomyopathy; CARDIOMYOPATHY, DILATED, WITH MILD OR NO PROXIMAL MUSCLE WEAKNESS. Identifiers: Orphanet 154, MedGen C1969024, MONDO:0012704, OMIM 611615.
Muscular dystrophy-dystroglycanopathy (congenital with brain and eye anomalies), type A1 (MDDGA1). Also called: WALKER-WARBURG SYNDROME OR MUSCLE-EYE-BRAIN DISEASE, POMT1-RELATED; Hydrocephalus, agyria and retinal dysplasia; Hard +/- E syndrome; Warburg syndrome; Chemke syndrome; Pagon syndrome. Identifiers: Orphanet 588, Orphanet 899, MedGen C4284790, MONDO:0009364, OMIM 236670.
Muscular dystrophy-dystroglycanopathy (congenital without impaired intellectual development), type B, 4. Also called: MUSCULAR DYSTROPHY, CONGENITAL, FKTN-RELATED; Muscular dystrophy-dystroglycanopathy (congenital without intellectual disability), type B4. Identifiers: MedGen C2751052, MONDO:0013156, OMIM 613152.
Muscular dystrophy-dystroglycanopathy (congenital with brain and eye anomalies), type A, 4 (MDDGA4). Also called: Congenital muscular dystrophy-dystroglycanopathy with brain and eye anomalies, type A4; WALKER-WARBURG SYNDROME OR MUSCLE-EYE-BRAIN DISEASE, FKTN-RELATED; Fukuyama congenital muscular dystrophy; Walker-Warburg Syndrome, Fktn-Related; Muscular dystrophy, congenital progressive, with mental retardation; Muscular dystrophy, congenital, with central nervous system involvement. Identifiers: Orphanet 272, Orphanet 588, Orphanet 899, MedGen C0410174, MONDO:0009678, OMIM 253800.
Walker-Warburg congenital muscular dystrophy. Also called: Muscular dystrophy-dystroglycanopathy, type A; Walker-Warburg syndrome. Identifiers: Orphanet 899, MedGen C0265221, MONDO:0000171.

Allele frequency attached by ClinVar (database versions not stated): TOPMed below 0.00001.
gnomAD v4.1: 2 of 1,614,154 alleles (0.00012%); highest among the groups gnomAD compares: Non-Finnish European, 0.00017%; no homozygotes.

Submissions (2):

Fulgent Genetics
Classification: Uncertain significance for Muscular dystrophy-dystroglycanopathy (congenital with brain and eye anomalies), type A1; Muscular dystrophy-dystroglycanopathy (congenital with brain and eye anomalies), type A, 4; Autosomal recessive limb-girdle muscular dystrophy type 2M; Dilated cardiomyopathy 1X; Muscular dystrophy-dystroglycanopathy (congenital without impaired intellectual development), type B, 4. Last evaluated: 2021-09-24. Review status: criteria provided, single submitter. Criteria: ACMG Guidelines, 2015. Collection method: clinical testing. Allele origin: unknown.

Labcorp Genetics (formerly Invitae), Labcorp
Classification: Uncertain significance for Walker-Warburg congenital muscular dystrophy. Last evaluated: 2021-08-24. Review status: criteria provided, single submitter. Criteria: Invitae Variant Classification Sherloc (09022015). Collection method: clinical testing. Allele origin: germline.
Comment: This sequence change replaces histidine with arginine at codon 177 of the FKTN protein (p.His177Arg). The histidine residue is weakly conserved and there is a small physicochemical difference between histidine and arginine. This variant is not present in population databases (ExAC no frequency). This missense change has been observed in individual(s) with clinical features of limb-girdle muscular dystrophy (Invitae). In at least one individual the data is consistent with the variant being in trans (on the opposite chromosome) from a pathogenic variant. It has also been observed to segregate with disease in related individuals. Algorithms developed to predict the effect of missense changes on protein structure and function are either unavailable or do not agree on the potential impact of this missense change (SIFT: "Tolerated"; PolyPhen-2: "Possibly Damaging"; Align-GVGD: "Class C0"). Algorithms developed to predict the effect of sequence changes on RNA splicing suggest that this variant may create or strengthen a splice site. In summary, the available evidence is currently insufficient to determine the role of this variant in disease. Therefore, it has been classified as a Variant of Uncertain Significance.

NM_001079802.2(FKTN):c.530A>G (p.His177Arg)

Gene: FKTN (fukutin; plus strand). Cytogenetic location: 9q31.2.
Variant type: single nucleotide variant.
Coding change: c.530A>G on transcript NM_001079802.2 (MANE Select); coding-DNA position 530, A replaced by G.
Protein change: p.His177Arg; replaces histidine 177 with arginine.
Molecular consequence: missense variant. On other transcripts: non-coding transcript variant (2).
Genome position (GRCh38, 1-based): chr9:105,604,375, A>G. VCF-style: chr9-105604375-A-G. GRCh37 (hg19) VCF-style: chr9-108366656-A-G.
Other names: c.530A>G, p.His177Arg (NM_001198963.2, NM_001351496.2, NM_001351498.2 and 1 more transcripts); c.461A>G, p.His154Arg (NM_001351497.2); c.134A>G, p.His45Arg (NM_001351499.2, NM_001351500.2, NM_001351501.2 and 1 more transcripts); short protein forms H177R, H154R, H45R.
Identifiers: ClinVar variation 1423345 (VCV001423345.6), dbSNP rs773322779, ClinGen allele CA374332188.